The following is an entry in ClinVar:

ClinVar aggregate classification (germline): Likely benign. Review status: criteria provided, multiple submitters, no conflicts (2 of 4 stars). 5 submissions from 5 submitters: Likely benign (5). Last evaluated 2025-10-02.

Conditions:
Hereditary cancer-predisposing syndrome. Also called: Hereditary Cancer Syndrome; Neoplastic Syndromes, Hereditary; Tumor predisposition; Hereditary neoplastic syndrome. Identifiers: Orphanet 140162, MedGen C0027672, MeSH D009386, MONDO:0015356.
Peutz-Jeghers syndrome (PJS). Also called: Peutz-Jeghers polyposis; Periorificial lentiginosis syndrome; POLYPOSIS, HAMARTOMATOUS INTESTINAL; POLYPS-AND-SPOTS SYNDROME. Identifiers: Orphanet 2869, MedGen C0031269, MeSH D010580, MONDO:0008280, OMIM 175200.

gnomAD v4.1: 1 of 1,611,436 alleles (0.000062%); highest among the groups gnomAD compares: Non-Finnish European, 0.000085%; no homozygotes.

Submissions (5):

Labcorp Genetics (formerly Invitae), Labcorp
Classification: Likely benign for Peutz-Jeghers syndrome. Last evaluated: 2025-10-02. Review status: criteria provided, single submitter. Criteria: Invitae Variant Classification Sherloc (09022015). Collection method: clinical testing. Allele origin: germline.

Myriad Genetics, Inc.
Classification: Likely benign for Peutz-Jeghers syndrome. Last evaluated: 2025-03-27. Review status: criteria provided, single submitter. Criteria: Myriad Autosomal Dominant, Autosomal Recessive and X-Linked Classification Criteria (2023). Collection method: clinical testing. Allele origin: unknown.
Comment: This variant is considered likely benign. This variant is intronic and is not expected to impact mRNA splicing.

Center for Genomic Medicine, Rigshospitalet, Copenhagen University Hospital
Classification: Likely benign. Last evaluated: 2025-03-04. Review status: criteria provided, single submitter. Criteria: ACMG Guidelines, 2015. Collection method: clinical testing. Allele origin: germline.

All of Us Research Program, National Institutes of Health
Classification: Likely benign for Peutz-Jeghers syndrome. Last evaluated: 2023-05-15. Review status: criteria provided, single submitter. Criteria: ACMG Guidelines, 2015. Collection method: clinical testing. Allele origin: germline. Inheritance: Autosomal dominant inheritance. Observed: 1 variant allele, 1 heterozygote.
Comment: This study involves interpretation of variants in research participants for the purpose of population health screening. Participant phenotype was not available at the time of variant classification. Additional details can be found in publication PMID: 35346344, PMCID: PMC8962531

Color Diagnostics, LLC DBA Color Health
Classification: Likely benign for Hereditary cancer-predisposing syndrome. Last evaluated: 2017-11-14. Review status: criteria provided, single submitter. Criteria: ACMG Guidelines, 2015. Collection method: clinical testing. Allele origin: germline.

NM_000455.5(STK11):c.735-13C>T

Gene: STK11 (serine/threonine kinase 11; plus strand). Cytogenetic location: 19p13.3.
Variant type: single nucleotide variant.
Coding change: c.735-13C>T on transcript NM_000455.5 (MANE Select); 13 bases into the intron before coding-DNA position 735, C replaced by T.
Molecular consequence: intron variant.
Genome position (GRCh38, 1-based): chr19:1,221,200, C>T. VCF-style: chr19-1221200-C-T. GRCh37 (hg19) VCF-style: chr19-1221199-C-T.
Identifiers: ClinVar variation 630770 (VCV000630770.14), dbSNP rs1180463550, ClinGen allele CA913188956.
Genomic context (GRCh38, chr19:1,221,200, plus strand): 5'-GGTAGAGCTGGGGCTCCTAGGGCGTCAACCACCTTGACTGACCACGCCTTTCTTCCCTCC[C>T]CTCGAAATGAAGCTACAACATCACCACGGGTCTGTACCCCTTCGAAGGGGACAACATCTA-3'